The following is an entry in ClinVar:

ClinVar aggregate classification (germline): Uncertain significance (1 of 4 stars; one submission).

Conditions:
Cardiovascular phenotype. Identifiers: MedGen CN230736.

Submission:

Ambry Genetics
Classification: Uncertain significance for Cardiovascular phenotype. Last evaluated: 2024-05-11. Review status: criteria provided, single submitter. Criteria: Ambry Variant Classification Scheme 2023. Collection method: clinical testing. Allele origin: germline.
Comment: The p.P2665R variant (also known as c.7994C>G), located in coding exon 2 of the ZNF469 gene, results from a C to G substitution at nucleotide position 7994. The proline at codon 2665 is replaced by arginine, an amino acid with dissimilar properties. This amino acid position is conserved. In addition, this alteration is predicted to be tolerated by in silico analysis. Based on the available evidence, the clinical significance of this variant remains unclear.

NM_001367624.2(ZNF469):c.8078C>G (p.Pro2693Arg)

Gene: ZNF469 (zinc finger protein 469; plus strand). Cytogenetic location: 16q24.2.
Variant type: single nucleotide variant.
Coding change: c.8078C>G on transcript NM_001367624.2 (MANE Select); coding-DNA position 8078, C replaced by G.
Protein change: p.Pro2693Arg; replaces proline 2693 with arginine.
Molecular consequence: missense variant.
Genome position (GRCh38, 1-based): chr16:88,435,548, C>G. VCF-style: chr16-88435548-C-G. GRCh37 (hg19) VCF-style: chr16-88501956-C-G.
Other names: NM_001127464.1:c.7994C>G; short protein forms P2693R.
Identifiers: ClinVar variation 3258262 (VCV003258262.1).